The following is an entry in ClinVar:

NM_000368.5(TSC1):c.1376T>A (p.Leu459His)

Gene: TSC1 (TSC complex subunit 1; minus strand). Cytogenetic location: 9q34.13.
Variant type: single nucleotide variant.
Coding change: c.1376T>A on transcript NM_000368.5 (MANE Select); coding-DNA position 1376, T replaced by A.
Protein change: p.Leu459His; replaces leucine 459 with histidine.
Molecular consequence: missense variant.
Genome position (GRCh38, 1-based): chr9:132,906,793, A>T on the plus strand (T>A on the coding strand, the complement: TSC1 is on the minus strand). VCF-style: chr9-132906793-A-T. GRCh37 (hg19) VCF-style: chr9-135782180-A-T.
Other names: c.1373T>A, p.Leu458His (NM_001162426.2); c.1223T>A, p.Leu408His (NM_001162427.2); c.1013T>A, p.Leu338His (NM_001362177.2); short protein forms L459H, L338H, L408H, L458H.
Identifiers: ClinVar variation 534474 (VCV000534474.8), dbSNP rs1554816231, ClinGen allele CA375365975.

ClinVar aggregate classification (germline): Uncertain significance (1 of 4 stars; one submission).

Conditions:
Tuberous sclerosis 1 (TSC1). Identifiers: Orphanet 805, MedGen C1854465, MONDO:0008612, OMIM 191100.

Submission:

Labcorp Genetics (formerly Invitae), Labcorp
Classification: Uncertain significance for Tuberous sclerosis 1. Last evaluated: 2017-10-31. Review status: criteria provided, single submitter. Criteria: Invitae Variant Classification Sherloc (09022015). Collection method: clinical testing. Allele origin: germline.
Comment: In summary, the available evidence is currently insufficient to determine the role of this variant in disease. Therefore, it has been classified as a Variant of Uncertain Significance. Algorithms developed to predict the effect of missense changes on protein structure and function do not agree on the potential impact of this missense change (SIFT: "Deleterious"; PolyPhen-2: "Probably Damaging"; Align-GVGD: "Class C0"). This variant has not been reported in the literature in individuals with TSC1-related disease. This variant is not present in population databases (ExAC no frequency). This sequence change replaces leucine with histidine at codon 459 of the TSC1 protein (p.Leu459His). The leucine residue is highly conserved and there is a moderate physicochemical difference between leucine and histidine.